The following is an entry in ClinVar:

NM_001377540.1(SLMAP):c.1992G>T (p.Gln664His)

Gene: SLMAP (sarcolemma associated protein; plus strand). Cytogenetic location: 3p14.3.
Variant type: single nucleotide variant.
Coding change: c.1992G>T on transcript NM_001377540.1 (MANE Select); coding-DNA position 1992, G replaced by T.
Protein change: p.Gln664His; replaces glutamine 664 with histidine.
Molecular consequence: missense variant. On other transcripts: non-coding transcript variant (1).
Genome position (GRCh38, 1-based): chr3:57,912,673, G>T. VCF-style: chr3-57912673-G-T. GRCh37 (hg19) VCF-style: chr3-57898400-G-T.
Other names: c.1941G>T, p.Gln647His (NM_001304420.3, NM_001377541.1, NM_001377542.1); c.1827G>T, p.Gln609His (NM_001304421.2, NM_001377557.1, NM_001377559.1); c.543G>T, p.Gln181His (NM_001304422.3, NM_001311178.2); c.345G>T, p.Gln115His (NM_001304423.3); c.420G>T, p.Gln140His (NM_001311179.2, NM_001377926.1, NM_001377927.1 and 1 more transcripts); c.2013G>T, p.Gln671His (NM_001377538.1); c.1992G>T, p.Gln664His (NM_001377539.1); c.1929G>T, p.Gln643His (NM_001377545.1); and 9 more; short protein forms Q181H, Q568H, Q630H, Q115H, Q140H, Q589H, Q606H, Q623H.
Identifiers: ClinVar variation 2751331 (VCV002751331.5), dbSNP rs756239458, ClinGen allele CA75413009.

ClinVar aggregate classification (germline): Uncertain significance. Review status: criteria provided, multiple submitters, no conflicts (2 of 4 stars). 2 submissions from 2 submitters: Uncertain significance (2). Last evaluated 2025-11-24.

Conditions:
Brugada syndrome. Also called: Sudden unexpected nocturnal death syndrome; Sudden unexplained nocturnal death syndrome; Sudden Unexplained Death Syndrome; Sudden Unexplained Nocturnal Death Syndrome (SUNDS). Identifiers: Orphanet 130, MedGen C1142166, MONDO:0015263.

gnomAD v4.1: 1 of 1,612,322 alleles (0.000062%); highest among the groups gnomAD compares: African/African-American, 0.0013%; no homozygotes.

Submissions (2):

Ambry Genetics
Classification: Uncertain significance. Last evaluated: 2025-11-24. Review status: criteria provided, single submitter. Criteria: Ambry Variant Classification Scheme 2023. Collection method: clinical testing. Allele origin: germline.

Labcorp Genetics (formerly Invitae), Labcorp
Classification: Uncertain significance for Brugada syndrome. Last evaluated: 2023-08-09. Review status: criteria provided, single submitter. Criteria: Invitae Variant Classification Sherloc (09022015). Collection method: clinical testing. Allele origin: germline.
Comment: An algorithm developed to predict the effect of missense changes on protein structure and function (PolyPhen-2) suggests that this variant is likely to be disruptive. This variant has not been reported in the literature in individuals affected with SLMAP-related conditions. This variant is present in population databases (no rsID available, gnomAD 0.01%). This sequence change replaces glutamine, which is neutral and polar, with histidine, which is basic and polar, at codon 630 of the SLMAP protein (p.Gln630His). In summary, the available evidence is currently insufficient to determine the role of this variant in disease. Therefore, it has been classified as a Variant of Uncertain Significance.